The following is an entry in ClinVar:

ClinVar aggregate classification (germline): Uncertain significance. Review status: criteria provided, multiple submitters, no conflicts (2 of 4 stars). 2 submissions from 2 submitters: Uncertain significance (2). Last evaluated 2023-11-17.

Conditions:
Cutis laxa with osteodystrophy (ARCL2A). Also called: Debré-Type Cutis Laxa; CUTIS LAXA WITH CONGENITAL DISORDER OF GLYCOSYLATION; CUTIS LAXA, AUTOSOMAL RECESSIVE, TYPE IIA; CUTIS LAXA WITH BONE DYSTROPHY; CUTIS LAXA WITH GROWTH AND DEVELOPMENTAL DELAY; CUTIS LAXA WITH JOINT LAXITY AND RETARDED DEVELOPMENT. Identifiers: Orphanet 357058, MedGen C0268355, MONDO:0018163, OMIM 219200. Disease mechanism: loss of function.
ALG9 congenital disorder of glycosylation (CDG1L). Also called: CDG Il; CONGENITAL DISORDER OF GLYCOSYLATION, TYPE Il; ALG9-CDG. Identifiers: Orphanet 79328, MedGen C2931006, MONDO:0012117, OMIM 608776.

Allele frequency attached by ClinVar (database versions not stated): gnomAD 0.00003; ESP Exome Variant Server 0.00008; 1000 Genomes Project 30x 0.00016; 1000 Genomes Project 0.00020.
gnomAD v4.1: 25 of 1,614,026 alleles (0.0015%); highest among the groups gnomAD compares: East Asian, 0.018%; no homozygotes.

Submissions (2):

Labcorp Genetics (formerly Invitae), Labcorp
Classification: Uncertain significance for ALG9 congenital disorder of glycosylation. Last evaluated: 2023-11-17. Review status: criteria provided, single submitter. Criteria: Invitae Variant Classification Sherloc (09022015). Collection method: clinical testing. Allele origin: germline.
Comment: This sequence change affects codon 346 of the ATP6V0A2 mRNA. It is a 'silent' change, meaning that it does not change the encoded amino acid sequence of the ATP6V0A2 protein. This variant also falls at the last nucleotide of exon 9, which is part of the consensus splice site for this exon. This variant is present in population databases (rs147411055, gnomAD 0.004%). This variant has not been reported in the literature in individuals affected with ATP6V0A2-related conditions. ClinVar contains an entry for this variant (Variation ID: 307584). Variants that disrupt the consensus splice site are a relatively common cause of aberrant splicing (PMID: 17576681, 9536098). Algorithms developed to predict the effect of sequence changes on RNA splicing suggest that this variant may disrupt the consensus splice site. In summary, the available evidence is currently insufficient to determine the role of this variant in disease. Therefore, it has been classified as a Variant of Uncertain Significance.

Illumina Laboratory Services, Illumina
Classification: Uncertain significance for Cutis laxa with osteodystrophy. Last evaluated: 2018-01-12. Review status: criteria provided, single submitter. Criteria: ICSL Variant Classification Criteria 13 December 2019. Collection method: clinical testing. Allele origin: germline.

Literature cited by the submitters: PubMed 17576681 (cited by Labcorp Genetics (formerly Invitae), Labcorp); PubMed 9536098 (cited by Labcorp Genetics (formerly Invitae), Labcorp).

NM_012463.4(ATP6V0A2):c.1038G>A (p.Ser346=)

Gene: ATP6V0A2 (ATPase H+ transporting V0 subunit a2; plus strand). Cytogenetic location: 12q24.31.
Variant type: single nucleotide variant.
Coding change: c.1038G>A on transcript NM_012463.4 (MANE Select); coding-DNA position 1038, G replaced by A.
Protein change: p.Ser346=; no amino-acid change (serine 346 retained).
Molecular consequence: synonymous variant.
Genome position (GRCh38, 1-based): chr12:123,737,271, G>A. VCF-style: chr12-123737271-G-A. GRCh37 (hg19) VCF-style: chr12-124221818-G-A.
Identifiers: ClinVar variation 307584 (VCV000307584.7), dbSNP rs147411055, ClinGen allele CA6861798.